The following is an entry in ClinVar:

ClinVar aggregate classification (germline): Pathogenic (1 of 4 stars; one submission).

Conditions:
Neurofibromatosis, type 1 (NF1). Also called: VON RECKLINGHAUSEN DISEASE; Peripheral type neurofibromatosis; NEUROFIBROMATOSIS, TYPE I, SOMATIC; Neurofibromatosis, type I. Identifiers: Orphanet 636, MedGen C0027831, MONDO:0018975, OMIM 162200. Disease mechanism: loss of function.

Submission:

Labcorp Genetics (formerly Invitae), Labcorp
Classification: Pathogenic for Neurofibromatosis, type 1. Last evaluated: 2021-03-29. Review status: criteria provided, single submitter. Criteria: Invitae Variant Classification Sherloc (09022015). Collection method: clinical testing. Allele origin: germline.
Comment: For these reasons, this variant has been classified as Pathogenic. Loss-of-function variants in NF1 are known to be pathogenic (PMID: 10712197, 23913538). This variant has been observed in individual(s) with neurofibromatosis, type 1 (PMID: 30530636). This variant is not present in population databases (ExAC no frequency). This sequence change creates a premature translational stop signal (p.Leu1201*) in the NF1 gene. It is expected to result in an absent or disrupted protein product.

Literature cited by the submitters: PubMed 10712197; PubMed 23913538; PubMed 30530636.

NM_001042492.3(NF1):c.3602T>A (p.Leu1201Ter)

Gene: NF1 (neurofibromin 1; plus strand). Cytogenetic location: 17q11.2.
Variant type: single nucleotide variant.
Coding change: c.3602T>A on transcript NM_001042492.3 (MANE Select); coding-DNA position 3602, T replaced by A.
Protein change: p.Leu1201Ter; replaces leucine 1201 with a stop codon.
Molecular consequence: nonsense.
Genome position (GRCh38, 1-based): chr17:31,233,107, T>A. VCF-style: chr17-31233107-T-A. GRCh37 (hg19) VCF-style: chr17-29560125-T-A.
Other names: c.3602T>A, p.Leu1201Ter (NM_000267.4); short protein forms L1201*.
Identifiers: ClinVar variation 1069219 (VCV001069219.5), dbSNP rs2151435564, ClinGen allele CA398990266.
Genomic context (GRCh38, chr17:31,233,107, plus strand): 5'-AAGTTCTGACAAAAATCCTTCAACAAGGCACAGAATTTGACACACTTGCAGAAACAGTAT[T>A]GGCTGATCGGTTTGAGAGATTGGTGGAACTGGTCACAATGATGGGTGATCAAGGAGAACT-3'